The following is an entry in ClinVar:

ClinVar aggregate classification (germline): Pathogenic (1 of 4 stars; one submission).

Conditions:
Asphyxiating thoracic dystrophy 3. Also called: POLYDACTYLY WITH NEONATAL CHONDRODYSTROPHY, TYPE I; SHORT-RIB THORACIC DYSPLASIA 3 WITH OR WITHOUT POLYDACTYLY; SHORT-RIB THORACIC DYSPLASIA 3/6 WITH POLYDACTYLY, DIGENIC; Saldino-Noonan Syndrome; Short rib polydactyly syndrome 2B. Identifiers: Orphanet 474, Orphanet 93269, Orphanet 93270, Orphanet 93271, MedGen C0036069, MONDO:0013127, OMIM 613091.

Submission:

Myriad Genetics, Inc.
Classification: Pathogenic for Asphyxiating thoracic dystrophy 3. Last evaluated: 2026-02-06. Review status: criteria provided, single submitter. Criteria: Myriad Autosomal Dominant, Autosomal Recessive and X-Linked Classification Criteria (2023). Collection method: clinical testing. Allele origin: unknown.
Comment: NM_001377.2(DYNC2H1):c.2584delG(V862*) is a nonsense variant classified as pathogenic in the context of DYNC2H1-related disorders. V862* has not been observed in cases with relevant disease. Relevant functional assessments of this variant are not available in the literature. V862* has not been observed in referenced population frequency databases. In summary, NM_001377.2(DYNC2H1):c.2584delG(V862*) is a nonsense variant in a gene where loss of function is a known mechanism of disease and is predicted to disrupt protein function. Please note: this variant was assessed in the context of healthy population screening.

NM_001377.3(DYNC2H1):c.2584del (p.Ile861_Val862insTer)

Gene: DYNC2H1 (dynein cytoplasmic 2 heavy chain 1; plus strand). Cytogenetic location: 11q22.3.
Variant type: Deletion.
Coding change: c.2584del on transcript NM_001377.3 (MANE Select); coding-DNA position 2584, one base deleted (G; older notation c.2584delG).
Protein change: p.Ile861_Val862insTer.
Molecular consequence: nonsense.
Genome position (GRCh38, 1-based): chr11:103,143,277, G deleted. VCF-style (leftmost placement, unchanged base first): chr11-103143276-TG-T. GRCh37 (hg19) VCF-style: chr11-103014005-TG-T.
Other names: c.2584del, p.Ile861_Val862insTer (NM_001080463.2).
Identifiers: ClinVar variation 5004442 (VCV005004442.1).